The following is an entry in ClinVar:

NM_001084.5(PLOD3):c.592C>T (p.Leu198Phe)

Gene: PLOD3 (procollagen-lysine,2-oxoglutarate 5-dioxygenase 3; minus strand). Cytogenetic location: 7q22.1.
Variant type: single nucleotide variant.
Coding change: c.592C>T on transcript NM_001084.5 (MANE Select); coding-DNA position 592, C replaced by T.
Protein change: p.Leu198Phe; replaces leucine 198 with phenylalanine.
Molecular consequence: missense variant.
Genome position (GRCh38, 1-based): chr7:101,215,931, G>A on the plus strand (C>T on the coding strand, the complement: PLOD3 is on the minus strand). VCF-style: chr7-101215931-G-A. GRCh37 (hg19) VCF-style: chr7-100859212-G-A.
Other names: c.592C>T (NM_001084.4); short protein forms L198F.
Identifiers: ClinVar variation 1487921 (VCV001487921.6), dbSNP rs1001154230, ClinGen allele CA163353641.

ClinVar aggregate classification (germline): Uncertain significance. Review status: criteria provided, multiple submitters, no conflicts (2 of 4 stars). 2 submissions from 2 submitters: Uncertain significance (2). Last evaluated 2025-04-04.

Conditions:
Inborn genetic diseases. Identifiers: MedGen C0950123, MeSH D030342.

Allele frequency attached by ClinVar (database versions not stated): TOPMed 0.00001; gnomAD exomes 0.00002.
gnomAD v4.1: 35 of 1,613,066 alleles (0.0022%); highest among the groups gnomAD compares: Non-Finnish European, 0.003%; no homozygotes.

Submissions (2):

Ambry Genetics
Classification: Uncertain significance for Inborn genetic diseases. Last evaluated: 2025-04-04. Review status: criteria provided, single submitter. Criteria: Ambry Variant Classification Scheme 2023. Collection method: clinical testing. Allele origin: germline.

Labcorp Genetics (formerly Invitae), Labcorp
Classification: Uncertain significance. Last evaluated: 2021-08-15. Review status: criteria provided, single submitter. Criteria: Invitae Variant Classification Sherloc (09022015). Collection method: clinical testing. Allele origin: germline.
Comment: In summary, the available evidence is currently insufficient to determine the role of this variant in disease. Therefore, it has been classified as a Variant of Uncertain Significance. Algorithms developed to predict the effect of missense changes on protein structure and function are either unavailable or do not agree on the potential impact of this missense change (SIFT: "Deleterious"; PolyPhen-2: "Possibly Damaging"; Align-GVGD: "Class C0"). This variant has not been reported in the literature in individuals affected with PLOD3-related conditions. This variant is not present in population databases (ExAC no frequency). This sequence change replaces leucine with phenylalanine at codon 198 of the PLOD3 protein (p.Leu198Phe). The leucine residue is moderately conserved and there is a small physicochemical difference between leucine and phenylalanine.